The following is an entry in ClinVar:

ClinVar aggregate classification (germline): Uncertain significance (1 of 4 stars; one submission).

Conditions:
Congenital contractural arachnodactyly (CCA). Also called: BEALS SYNDROME; Arthrogryposis, distal, type 9; Beals-Hecht syndrome. Identifiers: Orphanet 115, MedGen C0220668, MONDO:0007363, OMIM 121050.

Allele frequency attached by ClinVar (database versions not stated): gnomAD exomes below 0.00001; TOPMed below 0.00001; gnomAD 0.00001.
gnomAD v4.1: 2 of 1,613,996 alleles (0.00012%); highest among the groups gnomAD compares: Non-Finnish European, 0.00017%; no homozygotes.

Submission:

Labcorp Genetics (formerly Invitae), Labcorp
Classification: Uncertain significance for Congenital contractural arachnodactyly. Last evaluated: 2024-01-24. Review status: criteria provided, single submitter. Criteria: Invitae Variant Classification Sherloc (09022015). Collection method: clinical testing. Allele origin: germline.
Comment: This sequence change replaces cysteine, which is neutral and slightly polar, with tyrosine, which is neutral and polar, at codon 2395 of the FBN2 protein (p.Cys2395Tyr). This variant is not present in population databases (gnomAD no frequency). This variant has not been reported in the literature in individuals affected with FBN2-related conditions. Advanced modeling of protein sequence and biophysical properties (such as structural, functional, and spatial information, amino acid conservation, physicochemical variation, residue mobility, and thermodynamic stability) performed at Invitae indicates that this missense variant is expected to disrupt FBN2 protein function with a positive predictive value of 80%. In summary, the available evidence is currently insufficient to determine the role of this variant in disease. Therefore, it has been classified as a Variant of Uncertain Significance.

NM_001999.4(FBN2):c.7184G>A (p.Cys2395Tyr)

Gene: FBN2 (fibrillin 2; minus strand). Cytogenetic location: 5q23.3.
Variant type: single nucleotide variant.
Coding change: c.7184G>A on transcript NM_001999.4 (MANE Select); coding-DNA position 7184, G replaced by A.
Protein change: p.Cys2395Tyr; replaces cysteine 2395 with tyrosine.
Molecular consequence: missense variant.
Genome position (GRCh38, 1-based): chr5:128,278,796, C>T on the plus strand (G>A on the coding strand, the complement: FBN2 is on the minus strand). VCF-style: chr5-128278796-C-T. GRCh37 (hg19) VCF-style: chr5-127614488-C-T.
Other names: short protein forms C2395Y.
Identifiers: ClinVar variation 2914584 (VCV002914584.3), dbSNP rs1765461674, ClinGen allele CA360756665.
Genomic context (GRCh38, chr5:128,278,796, plus strand): 5'-CCACCATCACAGCAGCATTCTGACTTAGTGACGAGATTGCGACTACTGGATGCCATTTGA[C>T]ATATTGTCTGCAGTACCTCTGCAAAGCAGAGACCCTGTCGATTGTCTGAAATGGCAAAGT-3'
Protein context (NP_001990.2, residues 2385-2405): LCFAEVLQTI[Cys2395Tyr]QMASSSRNLV